The following is an entry in ClinVar:

NM_004525.3(LRP2):c.2397T>G (p.Tyr799Ter)

Gene: LRP2 (LDL receptor related protein 2; minus strand). Cytogenetic location: 2q31.1.
Variant type: single nucleotide variant.
Coding change: c.2397T>G on transcript NM_004525.3 (MANE Select); coding-DNA position 2397, T replaced by G.
Protein change: p.Tyr799Ter; replaces tyrosine 799 with a stop codon.
Molecular consequence: nonsense.
Genome position (GRCh38, 1-based): chr2:169,259,141, A>C on the plus strand (T>G on the coding strand, the complement: LRP2 is on the minus strand). VCF-style: chr2-169259141-A-C. GRCh37 (hg19) VCF-style: chr2-170115651-A-C.
Other names: short protein forms Y799*.
Identifiers: ClinVar variation 2088234 (VCV002088234.4), dbSNP rs2528435160, ClinGen allele CA349158470.
Genomic context (GRCh38, chr2:169,259,141, plus strand): 5'-GCGTCTCGTTTTATCAGCTAGCCTCATGACACTGATACTCTTGTAATGAGAGTCTGTCCA[A>C]TAGAGATTCTTTGAAATCCAATCAAAAGCCAAACTTTCAACATTTTCCACCCTGTTAGCT-3'

ClinVar aggregate classification (germline): Pathogenic (1 of 4 stars; one submission).

Submission:

Labcorp Genetics (formerly Invitae), Labcorp
Classification: Pathogenic. Last evaluated: 2024-01-22. Review status: criteria provided, single submitter. Criteria: Invitae Variant Classification Sherloc (09022015). Collection method: clinical testing. Allele origin: germline.
Comment: This sequence change creates a premature translational stop signal (p.Tyr799*) in the LRP2 gene. It is expected to result in an absent or disrupted protein product. Loss-of-function variants in LRP2 are known to be pathogenic (PMID: 17632512, 25682901). This variant is not present in population databases (gnomAD no frequency). This variant has not been reported in the literature in individuals affected with LRP2-related conditions. ClinVar contains an entry for this variant (Variation ID: 2088234). Algorithms developed to predict the effect of sequence changes on RNA splicing suggest that this variant may disrupt the consensus splice site. For these reasons, this variant has been classified as Pathogenic.

Literature cited by the submitters: PubMed 17632512; PubMed 25682901.